The following is an entry in ClinVar:

NM_001349338.3(FOXP1):c.766A>T (p.Thr256Ser)

Gene: FOXP1 (forkhead box P1; minus strand). Cytogenetic location: 3p13.
Variant type: single nucleotide variant.
Coding change: c.766A>T on transcript NM_001349338.3 (MANE Select); coding-DNA position 766, A replaced by T.
Protein change: p.Thr256Ser; replaces threonine 256 with serine.
Molecular consequence: missense variant. On other transcripts: non-coding transcript variant (2).
Genome position (GRCh38, 1-based): chr3:71,041,431, T>A on the plus strand (A>T on the coding strand, the complement: FOXP1 is on the minus strand). VCF-style: chr3-71041431-T-A. GRCh37 (hg19) VCF-style: chr3-71090582-T-A.
Other names: c.766A>T, p.Thr256Ser (NM_001244808.3, NM_001244810.2, NM_001244814.3 and 3 more transcripts); c.538A>T, p.Thr180Ser (NM_001244812.3); c.466A>T, p.Thr156Ser (NM_001244813.3, NM_001244815.2, NM_001349342.3 and 1 more transcripts); c.463A>T, p.Thr155Ser (NM_001349337.2, NM_001349343.3, NM_001349344.3); c.763A>T, p.Thr255Ser (NM_001349341.3); short protein forms T255S, T180S, T256S, T155S, T156S.
Identifiers: ClinVar variation 4743600 (VCV004743600.1).

ClinVar aggregate classification (germline): Uncertain significance (1 of 4 stars; one submission).

Submission:

Labcorp Genetics (formerly Invitae), Labcorp
Classification: Uncertain significance. Last evaluated: 2025-09-24. Review status: criteria provided, single submitter. Criteria: Invitae Variant Classification Sherloc (09022015). Collection method: clinical testing. Allele origin: germline.
Comment: This sequence change replaces threonine, which is neutral and polar, with serine, which is neutral and polar, at codon 256 of the FOXP1 protein (p.Thr256Ser). This variant is not present in population databases (gnomAD no frequency). This variant has not been reported in the literature in individuals affected with FOXP1-related conditions. Invitae Evidence Modeling of protein sequence and biophysical properties (such as structural, functional, and spatial information, amino acid conservation, physicochemical variation, residue mobility, and thermodynamic stability) indicates that this missense variant is not expected to disrupt FOXP1 protein function with a negative predictive value of 80%. In summary, the available evidence is currently insufficient to determine the role of this variant in disease. Therefore, it has been classified as a Variant of Uncertain Significance.